The following is an entry in ClinVar:

ClinVar aggregate classification (germline): Uncertain significance (1 of 4 stars; one submission).

Conditions:
Immunodeficiency 51 (IMD51). Also called: CANDIDIASIS, FAMILIAL, 5. Identifiers: Orphanet 1334, MedGen C4310803, MONDO:0013500, OMIM 613953.

Allele frequency attached by ClinVar (database versions not stated): gnomAD exomes below 0.00001 and 0.00001; gnomAD 0.00001 and 0.00004; ExAC 0.00002; TOPMed 0.00007; ESP Exome Variant Server 0.00008.
gnomAD v4.1: 11 of 1,614,072 alleles (0.00068%); highest among the groups gnomAD compares: Non-Finnish European, 0.00051%; no homozygotes.

Submission:

Labcorp Genetics (formerly Invitae), Labcorp
Classification: Uncertain significance for Immunodeficiency 51. Last evaluated: 2021-01-11. Review status: criteria provided, single submitter. Criteria: Invitae Variant Classification Sherloc (09022015). Collection method: clinical testing. Allele origin: germline.
Comment: In summary, the available evidence is currently insufficient to determine the role of this variant in disease. Therefore, it has been classified as a Variant of Uncertain Significance. Algorithms developed to predict the effect of missense changes on protein structure and function (SIFT, PolyPhen-2, Align-GVGD) all suggest that this variant is likely to be tolerated, but these predictions have not been confirmed by published functional studies and their clinical significance is uncertain. This variant has not been reported in the literature in individuals with IL17RA-related conditions. This variant is present in population databases (rs369259606, ExAC 0.003%). This sequence change replaces histidine with tyrosine at codon 239 of the IL17RA protein (p.His239Tyr). The histidine residue is weakly conserved and there is a moderate physicochemical difference between histidine and tyrosine.

NM_014339.7(IL17RA):c.715C>T (p.His239Tyr)

Gene: IL17RA (interleukin 17 receptor A; plus strand). Cytogenetic location: 22q11.1.
Variant type: single nucleotide variant.
Coding change: c.715C>T on transcript NM_014339.7 (MANE Select); coding-DNA position 715, C replaced by T.
Protein change: p.His239Tyr; replaces histidine 239 with tyrosine.
Molecular consequence: missense variant.
Genome position (GRCh38, 1-based): chr22:17,102,255, C>T. VCF-style: chr22-17102255-C-T. GRCh37 (hg19) VCF-style: chr22-17583145-C-T.
Other names: c.715C>T, p.His239Tyr (NM_001289905.2); short protein forms H239Y.
Identifiers: ClinVar variation 1424828 (VCV001424828.8), dbSNP rs369259606, ClinGen allele CA10086461.
Genomic context (GRCh38, chr22:17,102,255, plus strand): 5'-GTGAGCTTCACCCTGTGGAACGAATCTACCCATTACCAGATCCTGCTGACCAGTTTTCCG[C>T]ACATGGAGAACCACAGTTGCTTTGAGCACATGCACCACATACCTGCGGTAACTCTGCTCT-3'
Protein context (NP_055154.3, residues 229-249): HYQILLTSFP[His239Tyr]MENHSCFEHM